The following is an entry in ClinVar:

ClinVar aggregate classification (germline): Pathogenic (1 of 4 stars; one submission).

Conditions:
Neu-Laxova syndrome 2. Identifiers: Orphanet 2671, Orphanet 583602, MedGen C4015019, MONDO:0014466, OMIM 616038.

Submission:

Labcorp Genetics (formerly Invitae), Labcorp
Classification: Pathogenic for Neu-Laxova syndrome 2. Last evaluated: 2024-02-18. Review status: criteria provided, single submitter. Criteria: Invitae Variant Classification Sherloc (09022015). Collection method: clinical testing. Allele origin: germline.
Comment: This sequence change creates a premature translational stop signal (p.Glu294*) in the PSAT1 gene. It is expected to result in an absent or disrupted protein product. Loss-of-function variants in PSAT1 are known to be pathogenic (PMID: 17436247, 25152457). This variant is not present in population databases (gnomAD no frequency). This variant has not been reported in the literature in individuals affected with PSAT1-related conditions. Algorithms developed to predict the effect of sequence changes on RNA splicing suggest that this variant may disrupt the consensus splice site. For these reasons, this variant has been classified as Pathogenic.

Literature cited by the submitters: PubMed 17436247; PubMed 25152457.

NM_058179.4(PSAT1):c.880G>T (p.Glu294Ter)

Gene: PSAT1 (phosphoserine aminotransferase 1; plus strand). Cytogenetic location: 9q21.2.
Variant type: single nucleotide variant.
Coding change: c.880G>T on transcript NM_058179.4 (MANE Select); coding-DNA position 880, G replaced by T.
Protein change: p.Glu294Ter; replaces glutamic acid 294 with a stop codon.
Molecular consequence: nonsense. On other transcripts: intron variant (1).
Genome position (GRCh38, 1-based): chr9:78,328,061, G>T. VCF-style: chr9-78328061-G-T. GRCh37 (hg19) VCF-style: chr9-80942977-G-T.
Other names: c.870-920G>T (NM_021154.5); short protein forms E294*.
Identifiers: ClinVar variation 3641837 (VCV003641837.2).